The following is an entry in ClinVar:

ClinVar aggregate classification (germline): Likely pathogenic (1 of 4 stars; one submission).

Submission:

Labcorp Genetics (formerly Invitae), Labcorp
Classification: Likely pathogenic. Last evaluated: 2023-09-08. Review status: criteria provided, single submitter. Criteria: Invitae Variant Classification Sherloc (09022015). Collection method: clinical testing. Allele origin: germline.
Comment: In summary, the currently available evidence indicates that the variant is pathogenic, but additional data are needed to prove that conclusively. Therefore, this variant has been classified as Likely Pathogenic. Algorithms developed to predict the effect of sequence changes on RNA splicing suggest that this variant may disrupt the consensus splice site. ClinVar contains an entry for this variant (Variation ID: 2134728). This variant has not been reported in the literature in individuals affected with EYS-related conditions. This variant is not present in population databases (gnomAD no frequency). This sequence change affects an acceptor splice site in intron 14 of the EYS gene. It is expected to disrupt RNA splicing. Variants that disrupt the donor or acceptor splice site typically lead to a loss of protein function (PMID: 16199547), and loss-of-function variants in EYS are known to be pathogenic (PMID: 18836446, 20333770).

Literature cited by the submitters: PubMed 16199547; PubMed 18836446; PubMed 20333770.

NM_001142800.2(EYS):c.2260-1G>T

Gene: EYS (EGF-like photoreceptor maintenance factor; minus strand). Cytogenetic location: 6q12.
Variant type: single nucleotide variant.
Coding change: c.2260-1G>T on transcript NM_001142800.2 (MANE Select); the canonical splice acceptor site of the intron before coding-DNA position 2260, G replaced by T.
Molecular consequence: splice acceptor variant.
Genome position (GRCh38, 1-based): chr6:64,945,915, C>A on the plus strand (G>T on the coding strand, the complement: EYS is on the minus strand). VCF-style: chr6-64945915-C-A. GRCh37 (hg19) VCF-style: chr6-65655808-C-A.
Other names: c.2260-1G>T (NM_001292009.2).
Identifiers: ClinVar variation 2134728 (VCV002134728.4), dbSNP rs2150096130, ClinGen allele CA364788293.
Genomic context (GRCh38, chr6:64,945,915, plus strand): 5'-ATTGGATTCTTGTTCACAAAAATTTCCTTCCCAATCAGATAGGCACACACACTGGTAGCT[C>A]TAAGAGAATATGAAATTATATATTTTTAGGCTATTTCTTACTATTAAGCCTATAATACAG-3'